The following is an entry in ClinVar:

NM_000329.3(RPE65):c.90_91insT (p.Thr31fs)

Gene: RPE65 (retinoid isomerohydrolase RPE65; minus strand). Cytogenetic location: 1p31.3.
Variant type: Insertion.
Coding change: c.90_91insT on transcript NM_000329.3 (MANE Select); coding-DNA positions 90 to 91, T inserted.
Protein change: p.Thr31fs; shifts the reading frame from threonine 31.
Molecular consequence: frameshift variant. On other transcripts: 5 prime UTR variant (1), intron variant (1).
Genome position: GRCh38 VCF-style: chr1-68448627-T-TA. GRCh37 (hg19) VCF-style: chr1-68914310-T-TA.
Other names: c.90_91insT, p.Thr31fs (NM_001406853.1, NM_001406859.1, NM_001406860.1); c.-36_-35insT (NM_001406856.1); c.-183+1267_-183+1268insT (NM_001406857.1); short protein forms T31fs.
Identifiers: ClinVar variation 5011870 (VCV005011870.1).

ClinVar aggregate classification (germline): Pathogenic (1 of 4 stars; one submission).

Conditions:
RPE65-related recessive retinopathy. Also called: Recessive RPE65 retinopathy. Identifiers: MedGen CN305526, MONDO:0100368.

Submission:

Myriad Genetics, Inc.
Classification: Pathogenic for RPE65-related recessive retinopathy. Last evaluated: 2024-05-14. Review status: criteria provided, single submitter. Criteria: Myriad Autosomal Dominant, Autosomal Recessive and X-Linked Classification Criteria (2023). Collection method: clinical testing. Allele origin: unknown.
Comment: NM_000329.2(RPE65):c.90_91insT(T31Yfs*21) is expected to be pathogenic in the context of inherited retinal dystrophy, RPE65-related. This variant is predicted to lead to an abnormal or absent protein product due to the creation of a premature termination codon in RPE65, a gene where loss-of-function variants are known to be pathogenic. Please note: this variant was assessed in the context of healthy population screening.